The following is an entry in ClinVar:

NM_198525.3(KIF7):c.1609C>T (p.Arg537Trp)

Gene: KIF7 (kinesin family member 7; minus strand). Cytogenetic location: 15q26.1.
Variant type: single nucleotide variant.
Coding change: c.1609C>T on transcript NM_198525.3 (MANE Select); coding-DNA position 1609, C replaced by T.
Protein change: p.Arg537Trp; replaces arginine 537 with tryptophan.
Molecular consequence: missense variant.
Genome position (GRCh38, 1-based): chr15:89,647,009, G>A on the plus strand (C>T on the coding strand, the complement: KIF7 is on the minus strand). VCF-style: chr15-89647009-G-A. GRCh37 (hg19) VCF-style: chr15-90190240-G-A.
Other names: c.1609C>T (NM_198525.2); short protein forms R537W.
Identifiers: ClinVar variation 1378610 (VCV001378610.8), dbSNP rs752524061, ClinGen allele CA7728506.
Genomic context (GRCh38, chr15:89,647,009, plus strand): 5'-CGGGAGGCAGGCCATTCAGGAGCCGCGGGCCCCCCCAGCCTGGCCGCACCAGCTCTAACC[G>A]CAGCCGCAGTTCCACCATCTCCTCCTGCTGCTCACGCAGCCGGTCGCTCTGCAAGACATG-3'
Protein context (NP_940927.2, residues 527-547): QQEEMVELRL[Arg537Trp]LELVRPGWGG

ClinVar aggregate classification (germline): Uncertain significance. Review status: criteria provided, multiple submitters, no conflicts (2 of 4 stars). 2 submissions from 2 submitters: Uncertain significance (2). Last evaluated 2025-02-06.

Conditions:
Acrocallosal syndrome (ACLS). Also called: HALLUX DUPLICATION, POSTAXIAL POLYDACTYLY, AND ABSENCE OF CORPUS CALLOSUM; Schinzel syndrome 1; Absence of corpus callosum with unusual facial appearance, mental deficiency, duplication of the halluces and polydactyly. Identifiers: Orphanet 36, MedGen C0796147, MONDO:0008708, OMIM 200990.

Allele frequency attached by ClinVar (database versions not stated): gnomAD 0.00001 and 0.00002; TOPMed 0.00001; gnomAD exomes 0.00005 and 0.00010; ExAC 0.00009.
gnomAD v4.1: 79 of 1,611,526 alleles (0.0049%); highest among the groups gnomAD compares: South Asian, 0.059%; 1 homozygote.

Submissions (2):

GeneDx
Classification: Uncertain significance. Last evaluated: 2025-02-06. Review status: criteria provided, single submitter. Criteria: GeneDx Variant Classification Process June 2021. Collection method: clinical testing. Allele origin: germline. Affected: yes.
Comment: Reported previously in a patient with an isolated congenital heart defect; however, no further clinical information was provided and multiple variants in other genes were also identified (PMID: 35885997); In silico analysis supports that this missense variant has a deleterious effect on protein structure/function; This variant is associated with the following publications: (PMID: 35885997)

Labcorp Genetics (formerly Invitae), Labcorp
Classification: Uncertain significance for Acrocallosal syndrome. Last evaluated: 2024-07-24. Review status: criteria provided, single submitter. Criteria: Invitae Variant Classification Sherloc (09022015). Collection method: clinical testing. Allele origin: germline.
Comment: This sequence change replaces arginine, which is basic and polar, with tryptophan, which is neutral and slightly polar, at codon 537 of the KIF7 protein (p.Arg537Trp). This variant is present in population databases (rs752524061, gnomAD 0.07%). This variant has not been reported in the literature in individuals affected with KIF7-related conditions. ClinVar contains an entry for this variant (Variation ID: 1378610). Advanced modeling of protein sequence and biophysical properties (such as structural, functional, and spatial information, amino acid conservation, physicochemical variation, residue mobility, and thermodynamic stability) performed at Invitae indicates that this missense variant is not expected to disrupt KIF7 protein function with a negative predictive value of 80%. In summary, the available evidence is currently insufficient to determine the role of this variant in disease. Therefore, it has been classified as a Variant of Uncertain Significance.